The following is an entry in ClinVar:

NM_000260.4(MYO7A):c.3084C>A (p.Tyr1028Ter)

Gene: MYO7A (myosin VIIA; plus strand). Cytogenetic location: 11q13.5.
Variant type: single nucleotide variant.
Coding change: c.3084C>A on transcript NM_000260.4 (MANE Select); coding-DNA position 3084, C replaced by A.
Protein change: p.Tyr1028Ter; replaces tyrosine 1028 with a stop codon.
Molecular consequence: nonsense.
Genome position (GRCh38, 1-based): chr11:77,182,130, C>A. VCF-style: chr11-77182130-C-A. GRCh37 (hg19) VCF-style: chr11-76893176-C-A.
Other names: c.3084C>A, p.Tyr1028Ter (NM_001127180.2); c.3051C>A, p.Tyr1017Ter (NM_001369365.1); short protein forms Y1017*, Y1028*.
Identifiers: ClinVar variation 984296 (VCV000984296.3), dbSNP rs1955281533, ClinGen allele CA381944277.
Genomic context (GRCh38, chr11:77,182,130, plus strand): 5'-CTTCCAGGGGACAACCACGCACTCCTACACCCGGCGGCCACTCAAACAGCCACTGCTCTA[C>A]CATGACGACGAGGGTGACCAGCTGGTAAGGCCTGCCTGTCACTAGGTCACTGCTGGGTGG-3'

ClinVar aggregate classification (germline): Likely pathogenic (1 of 4 stars; one submission).

Conditions:
Usher syndrome type 1 (USH1). Also called: RETINITIS PIGMENTOSA AND CONGENITAL DEAFNESS. Identifiers: Orphanet 231169, Orphanet 886, MedGen C1568247, MONDO:0010168, OMIM 276900.

Submission:

Myriad Genetics, Inc.
Classification: Likely pathogenic for Usher syndrome type 1. Last evaluated: 2019-01-08. Review status: criteria provided, single submitter. Criteria: Myriad Women's Health Autosomal Recessive and X-Linked Classification Criteria (2019). Collection method: clinical testing. Allele origin: unknown.
Comment: NM_000260.3(MYO7A):c.3084C>A(Y1028*) is expected to be pathogenic in the context of MYO7A-related disorders. This variant is predicted to lead to an abnormal or absent protein product due to the creation of a premature termination codon in MYO7A, a gene where loss-of-function variants are known to be pathogenic. Please note: this variant was assessed in the context of healthy population screening.